The following is an entry in ClinVar:

ClinVar aggregate classification (germline): Uncertain significance (1 of 4 stars; one submission).

Conditions:
Cardiovascular phenotype. Identifiers: MedGen CN230736.

Submission:

Ambry Genetics
Classification: Uncertain significance for Cardiovascular phenotype. Last evaluated: 2025-12-21. Review status: criteria provided, single submitter. Criteria: Ambry Variant Classification Scheme 2023. Collection method: clinical testing. Allele origin: germline.
Comment: The p.R95L variant (also known as c.284G>T), located in coding exon 2 of the FHL1 gene, results from a G to T substitution at nucleotide position 284. The arginine at codon 95 is replaced by leucine, an amino acid with dissimilar properties. This amino acid position is conserved. In addition, the in silico prediction for this alteration is inconclusive. Based on the available evidence, the clinical significance of this variant remains unclear.

NM_001159699.2(FHL1):c.332G>T (p.Arg111Leu)

Gene: FHL1 (four and a half LIM domains 1; plus strand). Cytogenetic location: Xq26.3.
Variant type: single nucleotide variant.
Coding change: c.332G>T on transcript NM_001159699.2 (MANE Select); coding-DNA position 332, G replaced by T.
Protein change: p.Arg111Leu; replaces arginine 111 with leucine.
Molecular consequence: missense variant. On other transcripts: non-coding transcript variant (1).
Genome position (GRCh38, 1-based): chrX:136,207,143, G>T. VCF-style: chrX-136207143-G-T. GRCh37 (hg19) VCF-style: chrX-135289302-G-T.
Other names: c.284G>T, p.Arg95Leu (NM_001159700.2, NM_001159702.3, NM_001159703.2 and 9 more transcripts); c.371G>T, p.Arg124Leu (NM_001159701.2); c.332G>T, p.Arg111Leu (NM_001330659.2, NM_001440769.1); short protein forms R111L, R124L, R95L.
Identifiers: ClinVar variation 4842729 (VCV004842729.1).